The following is an entry in ClinVar:

ClinVar aggregate classification (germline): Uncertain significance (1 of 4 stars; one submission).

Conditions:
Early-infantile DEE. Also called: Early infantile epileptic encephalopathy; Early infantile epileptic encephalopathy with suppression bursts; Ohtahara syndrome. Identifiers: Orphanet 1934, MedGen C0393706, MONDO:0800491.

Submission:

Labcorp Genetics (formerly Invitae), Labcorp
Classification: Uncertain significance for Early-infantile DEE. Last evaluated: 2023-10-13. Review status: criteria provided, single submitter. Criteria: Invitae Variant Classification Sherloc (09022015). Collection method: clinical testing. Allele origin: germline.
Comment: This sequence change replaces threonine, which is neutral and polar, with arginine, which is basic and polar, at codon 90 of the SCN8A protein (p.Thr90Arg). This variant is not present in population databases (gnomAD no frequency). This variant has not been reported in the literature in individuals affected with SCN8A-related conditions. Advanced modeling of protein sequence and biophysical properties (such as structural, functional, and spatial information, amino acid conservation, physicochemical variation, residue mobility, and thermodynamic stability) performed at Invitae indicates that this missense variant is not expected to disrupt SCN8A protein function. In summary, the available evidence is currently insufficient to determine the role of this variant in disease. Therefore, it has been classified as a Variant of Uncertain Significance.

NM_001330260.2(SCN8A):c.269C>G (p.Thr90Arg)

Genes: SCN8A (sodium voltage-gated channel alpha subunit 8; plus strand), LOC114803470 (SCN8A eExon liver enhancer; plus strand). Cytogenetic location: 12q13.13.
Variant type: single nucleotide variant.
Coding change: c.269C>G on transcript NM_001330260.2 (MANE Select); coding-DNA position 269, C replaced by G.
Protein change: p.Thr90Arg; replaces threonine 90 with arginine.
Molecular consequence: missense variant.
Genome position (GRCh38, 1-based): chr12:51,663,086, C>G. VCF-style: chr12-51663086-C-G. GRCh37 (hg19) VCF-style: chr12-52056870-C-G.
Other names: c.269C>G, p.Thr90Arg (NM_001177984.3, NM_001369788.1, NM_014191.4); short protein forms T90R.
Identifiers: ClinVar variation 2813018 (VCV002813018.3), dbSNP rs763078635, ClinGen allele CA385228585.